The following is an entry in ClinVar:

NM_033056.4(PCDH15):c.4616A>T (p.Asn1539Ile)

Gene: PCDH15 (protocadherin related 15; minus strand). Cytogenetic location: 10q21.1.
Variant type: single nucleotide variant.
Coding change: c.4616A>T on transcript NM_033056.4 (MANE Plus Clinical); coding-DNA position 4616, A replaced by T.
Protein change: p.Asn1539Ile; replaces asparagine 1539 with isoleucine.
Molecular consequence: missense variant. On other transcripts: intron variant (8).
Genome position (GRCh38, 1-based): chr10:53,823,110, T>A on the plus strand (A>T on the coding strand, the complement: PCDH15 is on the minus strand). VCF-style: chr10-53823110-T-A. GRCh37 (hg19) VCF-style: chr10-55582870-T-A.
Other names: c.4637A>T, p.Asn1546Ile (NM_001142763.2); c.4622A>T, p.Asn1541Ile (NM_001142764.2); c.4409A>T, p.Asn1470Ile (NM_001142765.2); c.4607A>T, p.Asn1536Ile (NM_001142766.2); c.4496A>T, p.Asn1499Ile (NM_001142767.2); c.4556A>T, p.Asn1519Ile (NM_001142768.2); c.4547A>T, p.Asn1516Ile (NM_001142773.2); c.4550A>T, p.Asn1517Ile (NM_001354404.2); and 6 more; short protein forms N1516I, N1541I, N1470I, N1517I, N1519I, N1536I, N1546I, N1499I.
Identifiers: ClinVar variation 863467 (VCV000863467.5), dbSNP rs780662896, ClinGen allele CA5505233.

ClinVar aggregate classification (germline): Uncertain significance. Review status: criteria provided, multiple submitters, no conflicts (2 of 4 stars). 3 submissions from 3 submitters: Uncertain significance (3). Last evaluated 2025-01-09.

Conditions:
Usher syndrome type 1D (USH1D). Also called: USHER SYNDROME, TYPE ID. Identifiers: Orphanet 231169, Orphanet 886, MedGen C1832845, MONDO:0010984, OMIM 601067.
Usher syndrome type 1F (USH1F). Also called: USHER SYNDROME, TYPE IF. Identifiers: Orphanet 231169, Orphanet 886, MedGen C1865885, MONDO:0011186, OMIM 602083.
Autosomal recessive nonsyndromic hearing loss 23. Identifiers: Orphanet 90636, MedGen C1836027, MONDO:0012293, OMIM 609533.
Inborn genetic diseases. Identifiers: MedGen C0950123, MeSH D030342.

Allele frequency attached by ClinVar (database versions not stated): gnomAD exomes below 0.00001 and 0.00001; ExAC 0.00001.
gnomAD v4.1: 3 of 1,614,034 alleles (0.00019%); highest among the groups gnomAD compares: Non-Finnish European, 0.00025%; no homozygotes.

Submissions (3):

Ambry Genetics
Classification: Uncertain significance for Inborn genetic diseases. Last evaluated: 2025-01-09. Review status: criteria provided, single submitter. Criteria: Ambry Variant Classification Scheme 2023. Collection method: clinical testing. Allele origin: germline.

Labcorp Genetics (formerly Invitae), Labcorp
Classification: Uncertain significance. Last evaluated: 2021-08-27. Review status: criteria provided, single submitter. Criteria: Invitae Variant Classification Sherloc (09022015). Collection method: clinical testing. Allele origin: germline.
Comment: This sequence change replaces asparagine with isoleucine at codon 1539 of the PCDH15 protein (p.Asn1539Ile). The asparagine residue is moderately conserved and there is a large physicochemical difference between asparagine and isoleucine. This variant is present in population databases (rs780662896, ExAC 0.002%). This variant has not been reported in the literature in individuals affected with PCDH15-related conditions. Algorithms developed to predict the effect of missense changes on protein structure and function output the following: SIFT: "Tolerated"; PolyPhen-2: "Benign"; Align-GVGD: "Class C0". The isoleucine amino acid residue is found in multiple mammalian species, which suggests that this missense change does not adversely affect protein function. In summary, the available evidence is currently insufficient to determine the role of this variant in disease. Therefore, it has been classified as a Variant of Uncertain Significance.

Fulgent Genetics
Classification: Uncertain significance for Usher syndrome type 1D; Usher syndrome type 1F; Autosomal recessive nonsyndromic hearing loss 23. Last evaluated: 2021-08-20. Review status: criteria provided, single submitter. Criteria: ACMG Guidelines, 2015. Collection method: clinical testing. Allele origin: unknown.